The following is an entry in ClinVar:

NM_018958.3(NPAP1):c.2409C>T (p.Thr803=)

Gene: NPAP1 (nuclear pore associated protein 1; plus strand). Cytogenetic location: 15q11.2.
Variant type: single nucleotide variant.
Coding change: c.2409C>T on transcript NM_018958.3 (MANE Select); coding-DNA position 2409, C replaced by T.
Protein change: p.Thr803=; no amino-acid change (threonine 803 retained).
Molecular consequence: synonymous variant.
Genome position (GRCh38, 1-based): chr15:24,678,276, C>T. VCF-style: chr15-24678276-C-T. GRCh37 (hg19) VCF-style: chr15-24923423-C-T.
Identifiers: ClinVar variation 2645007 (VCV002645007.24), dbSNP rs144954778, ClinGen allele CA7430930.

ClinVar aggregate classification (germline): Likely benign (1 of 4 stars; one submission).

Allele frequency attached by ClinVar (database versions not stated): gnomAD exomes 0.00012; gnomAD 0.00015; ExAC 0.00016; 1000 Genomes Project 0.00020; ESP Exome Variant Server 0.00023; TOPMed 0.00023; 1000 Genomes Project 30x 0.00031.

Submission:

CeGaT Center for Human Genetics Tuebingen
Classification: Likely benign. Last evaluated: 2023-07-01. Review status: criteria provided, single submitter. Criteria: CeGaT Center For Human Genetics Tuebingen Variant Classification Criteria Version 2. Collection method: clinical testing. Allele origin: germline. Affected: yes. Observed: 1 variant allele.
Comment: NPAP1: BP4, BP7